The following is an entry in ClinVar:

ClinVar aggregate classification (germline): Conflicting classifications of pathogenicity. Review status: criteria provided, conflicting classifications (1 of 4 stars). 5 submissions from 5 submitters: Likely pathogenic (4); Uncertain significance (1). Last evaluated 2026-01-19.

Conditions:
Epilepsy, idiopathic generalized, susceptibility to, 12 (EIG12). Identifiers: MedGen C3553859, MONDO:0013919, OMIM 614847.
GLUT1 deficiency syndrome 1, autosomal recessive. Identifiers: MedGen C3149117.

Allele frequency attached by ClinVar (database versions not stated): ESP Exome Variant Server 0.00008; gnomAD exomes below 0.00001 and 0.00001; ExAC 0.00001; gnomAD 0.00001; TOPMed 0.00002.
gnomAD v4.1: 3 of 1,613,986 alleles (0.00019%); highest among the groups gnomAD compares: African/African-American, 0.0013%; no homozygotes.

Submissions (5):

Labcorp Genetics (formerly Invitae), Labcorp
Classification: Likely pathogenic for GLUT1 deficiency syndrome 1, autosomal recessive. Last evaluated: 2026-01-19. Review status: criteria provided, single submitter. Criteria: Invitae Variant Classification Sherloc (09022015). Collection method: clinical testing. Allele origin: germline.
Comment: This sequence change replaces arginine, which is basic and polar, with histidine, which is basic and polar, at codon 232 of the SLC2A1 protein (p.Arg232His). This variant is present in population databases (rs139412383, gnomAD 0.007%). This missense change has been observed in individual(s) with absence seizures with or without intellectual disability (PMID: 26537434). ClinVar contains an entry for this variant (Variation ID: 623683). Invitae Evidence Modeling of protein sequence and biophysical properties (such as structural, functional, and spatial information, amino acid conservation, physicochemical variation, residue mobility, and thermodynamic stability) indicates that this missense variant is expected to disrupt SLC2A1 protein function with a positive predictive value of 95%. This variant disrupts the p.Arg232 amino acid residue in SLC2A1. Other variant(s) that disrupt this residue have been determined to be pathogenic (PMID: 22282645; internal data). This suggests that this residue is clinically significant, and that variants that disrupt this residue are likely to be disease-causing. In summary, the currently available evidence indicates that the variant is pathogenic, but additional data are needed to prove that conclusively. Therefore, this variant has been classified as Likely Pathogenic.

Dasa
Classification: Likely pathogenic. Last evaluated: 2025-07-08. Review status: criteria provided, single submitter. Criteria: DASA Assertion Criteria. Collection method: clinical testing. Allele origin: germline.
Comment: NM_006516.4(SLC2A1):c.695G>A (p.Arg232His) is a missense variant that results in the substitution of arginine with histidine. The affected residue or protein region has prior evidence supporting clinical relevance. This variant has been reported in individuals with SLC2A1-related disorders (PMID: 26537434). Segregation data support an association with disease in the reported family/families (PMID: 26537434). Also, this variant is rare in population databases. Computational evidence supports a deleterious effect. Based on the currently available evidence, this variant is classified as likely pathogenic.

GeneDx
Classification: Uncertain significance. Last evaluated: 2023-09-20. Review status: criteria provided, single submitter. Criteria: GeneDx Variant Classification Process June 2021. Collection method: clinical testing. Allele origin: germline. Affected: yes.
Comment: Identified in a patient with early onset absence epilepsy, but it is unknown whether this individual was screened for variants in other genes associated with epilepsy (PMID: 26537434); In silico analysis supports that this missense variant has a deleterious effect on protein structure/function; This variant is associated with the following publications: (PMID: 26537434)

Institute of Human Genetics, University of Leipzig Medical Center
Classification: Likely pathogenic for Epilepsy, idiopathic generalized, susceptibility to, 12. Last evaluated: 2022-01-04. Review status: criteria provided, single submitter. Criteria: ACMG Guidelines, 2015. Collection method: clinical testing. Allele origin: paternal. Affected: yes.
Comment: _x000D_ Criteria applied: PS4_MOD, PM5, PM2_SUP, PP3

CeGaT Center for Human Genetics Tuebingen
Classification: Likely pathogenic. Last evaluated: 2018-09-01. Review status: criteria provided, single submitter. Criteria: CeGaT Center For Human Genetics Tuebingen Variant Classification Criteria Version 2. Collection method: clinical testing. Allele origin: germline. Affected: yes. Observed: 3 variant alleles.

Literature cited by the submitters: PubMed 26537434 (cited by Labcorp Genetics (formerly Invitae), Labcorp and Dasa); PubMed 22282645 (cited by Labcorp Genetics (formerly Invitae), Labcorp and Dasa).

NM_006516.4(SLC2A1):c.695G>A (p.Arg232His)

Gene: SLC2A1 (solute carrier family 2 member 1; minus strand). Cytogenetic location: 1p34.2.
Variant type: single nucleotide variant.
Coding change: c.695G>A on transcript NM_006516.4 (MANE Select); coding-DNA position 695, G replaced by A.
Protein change: p.Arg232His; replaces arginine 232 with histidine.
Molecular consequence: missense variant.
Genome position (GRCh38, 1-based): chr1:42,929,765, C>T on the plus strand (G>A on the coding strand, the complement: SLC2A1 is on the minus strand). VCF-style: chr1-42929765-C-T. GRCh37 (hg19) VCF-style: chr1-43395436-C-T.
Other names: short protein forms R232H.
Identifiers: ClinVar variation 623683 (VCV000623683.55), dbSNP rs139412383, ClinGen allele CA803465.
Genomic context (GRCh38, chr1:42,929,765, plus strand): 5'-ATCATCTGCCGACTCTCTTCCTTCATCTCCTGCAGGTCATGGGTCACGTCAGCTGTCCCG[C>T]GCAGCTTCTTTAGCACTGGGGGGACCGGAGGGAAGGTGAGGGTGGCTCAGAGTGGGAAGA-3'
Protein context (NP_006507.2, residues 222-242): NRAKSVLKKL[Arg232His]GTADVTHDLQ